The following is an entry in ClinVar:

ClinVar aggregate classification (germline): Pathogenic (1 of 4 stars; one submission).

Conditions:
Cardiovascular phenotype. Identifiers: MedGen CN230736.

Submission:

Ambry Genetics
Classification: Pathogenic for Cardiovascular phenotype. Last evaluated: 2016-05-12. Review status: criteria provided, single submitter. Criteria: Ambry Variant Classification Scheme 2023. Collection method: clinical testing. Allele origin: germline.
Comment: The c.1139dupT pathogenic mutation, located in coding exon 9 of the ENG gene, results from a duplication of T at nucleotide position 1139, causing a translational frameshift with a predicted alternate stop codon (p.L380Ffs*16). Since frameshifts are typically deleterious in nature, this alteration is interpreted as a disease-causing mutation (ACMG Recommendations for Standards for Interpretation and Reporting of Sequence Variations. Revision 2007. Genet Med. 2008;10:294).

NM_001114753.3(ENG):c.1139dup (p.Leu380fs)

Genes: ENG (endoglin; minus strand), LOC102723566 (uncharacterized LOC102723566; plus strand). Cytogenetic location: 9q34.11.
Variant type: Duplication.
Coding change: c.1139dup on transcript NM_001114753.3 (MANE Select); coding-DNA position 1139, one base duplicated (T; older notation c.1139dupT).
Protein change: p.Leu380fs; shifts the reading frame from leucine 380.
Molecular consequence: frameshift variant.
Genome position (GRCh38, 1-based): chr9:127,820,033, A duplicated on the plus strand (T on the coding strand, the reverse complement: ENG is on the minus strand); the first of 3 consecutive A bases (chr9:127,820,033-127,820,035); duplicating any one gives the same sequence. VCF-style (leftmost placement, unchanged base first): chr9-127820032-C-CA. GRCh37 (hg19) VCF-style: chr9-130582311-C-CA.
Other names: c.1137dup, p.Leu380Phefs (NM_000118.4); c.593dup, p.Leu198fs (NM_001278138.2); short protein forms L198fs, L380fs.
Identifiers: ClinVar variation 1730628 (VCV001730628.2), dbSNP rs2131879372, ClinGen allele CA2580079612.